The following is an entry in ClinVar:

ClinVar aggregate classification (germline): Conflicting classifications of pathogenicity. Review status: criteria provided, conflicting classifications (1 of 4 stars). 2 submissions from 2 submitters: Uncertain significance (1); Likely benign (1). Last evaluated 2026-03-01.

Conditions:
Inborn genetic diseases. Identifiers: MedGen C0950123, MeSH D030342.

gnomAD v4.1: 539 of 1,610,472 alleles (0.033%); highest among the groups gnomAD compares: Non-Finnish European, 0.043%; 2 homozygotes.

Submissions (2):

CeGaT Center for Human Genetics Tuebingen
Classification: Likely benign. Last evaluated: 2026-03-01. Review status: criteria provided, single submitter. Criteria: CeGaT Center For Human Genetics Tuebingen Variant Classification Criteria Version 2. Collection method: clinical testing. Allele origin: germline. Affected: yes. Observed: 1 variant allele.
Comment: ADGRL1: BS1

Ambry Genetics
Classification: Uncertain significance for Inborn genetic diseases. Last evaluated: 2024-06-16. Review status: criteria provided, single submitter. Criteria: Ambry Variant Classification Scheme 2023. Collection method: clinical testing. Allele origin: germline.

NM_014921.5(ADGRL1):c.4343C>A (p.Ala1448Glu)

Genes: ADGRL1 (adhesion G protein-coupled receptor L1; minus strand), ADGRL1-AS1 (ADGRL1 antisense RNA 1; plus strand). Cytogenetic location: 19p13.12.
Variant type: single nucleotide variant.
Coding change: c.4343C>A on transcript NM_014921.5 (MANE Select); coding-DNA position 4343, C replaced by A.
Protein change: p.Ala1448Glu; replaces alanine 1448 with glutamic acid.
Molecular consequence: missense variant.
Genome position (GRCh38, 1-based): chr19:14,150,940, G>T on the plus strand (C>A on the coding strand, the complement: ADGRL1 is on the minus strand). VCF-style: chr19-14150940-G-T. GRCh37 (hg19) VCF-style: chr19-14261752-G-T.
Other names: c.4358C>A, p.Ala1453Glu (NM_001008701.3); short protein forms A1448E, A1453E.
Identifiers: ClinVar variation 3272100 (VCV003272100.5).